The following is an entry in ClinVar:

NM_002361.4(MAG):c.601C>G (p.Leu201Val)

Gene: MAG (myelin associated glycoprotein; plus strand). Cytogenetic location: 19q13.12.
Variant type: single nucleotide variant.
Coding change: c.601C>G on transcript NM_002361.4 (MANE Select); coding-DNA position 601, C replaced by G.
Protein change: p.Leu201Val; replaces leucine 201 with valine.
Molecular consequence: missense variant.
Genome position (GRCh38, 1-based): chr19:35,299,739, C>G. VCF-style: chr19-35299739-C-G. GRCh37 (hg19) VCF-style: chr19-35790642-C-G.
Other names: c.601C>G (NM_002361.3); c.526C>G, p.Leu176Val (NM_001199216.2); c.601C>G, p.Leu201Val (NM_080600.3); short protein forms L201V, L176V.
Identifiers: ClinVar variation 1966175 (VCV001966175.6), dbSNP rs1383243533, ClinGen allele CA405309092.

ClinVar aggregate classification (germline): Uncertain significance. Review status: criteria provided, multiple submitters, no conflicts (2 of 4 stars). 2 submissions from 2 submitters: Uncertain significance (2). Last evaluated 2025-08-07.

Conditions:
Inborn genetic diseases. Identifiers: MedGen C0950123, MeSH D030342.
Hereditary spastic paraplegia 75. Also called: Spastic paraplegia 75, autosomal recessive. Identifiers: Orphanet 459056, MedGen C4225250, MONDO:0014729, OMIM 616680.

Allele frequency attached by ClinVar (database versions not stated): gnomAD 0.00001; TOPMed 0.00001.
gnomAD v4.1: 22 of 1,562,098 alleles (0.0014%); highest among the groups gnomAD compares: Non-Finnish European, 0.0017%; no homozygotes.

Submissions (2):

Ambry Genetics
Classification: Uncertain significance for Inborn genetic diseases. Last evaluated: 2025-08-07. Review status: criteria provided, single submitter. Criteria: Ambry Variant Classification Scheme 2023. Collection method: clinical testing. Allele origin: germline.

Labcorp Genetics (formerly Invitae), Labcorp
Classification: Uncertain significance for Hereditary spastic paraplegia 75. Last evaluated: 2022-05-30. Review status: criteria provided, single submitter. Criteria: Invitae Variant Classification Sherloc (09022015). Collection method: clinical testing. Allele origin: germline.
Comment: This sequence change replaces leucine, which is neutral and non-polar, with valine, which is neutral and non-polar, at codon 201 of the MAG protein (p.Leu201Val). This variant is not present in population databases (gnomAD no frequency). This variant has not been reported in the literature in individuals affected with MAG-related conditions. Algorithms developed to predict the effect of missense changes on protein structure and function (SIFT, PolyPhen-2, Align-GVGD) all suggest that this variant is likely to be tolerated. In summary, the available evidence is currently insufficient to determine the role of this variant in disease. Therefore, it has been classified as a Variant of Uncertain Significance.